The following is an entry in ClinVar:

NM_005751.5(AKAP9):c.10019C>T (p.Pro3340Leu)

Gene: AKAP9 (A-kinase anchoring protein 9; plus strand). Cytogenetic location: 7q21.2.
Variant type: single nucleotide variant.
Coding change: c.10019C>T on transcript NM_005751.5 (MANE Select); coding-DNA position 10019, C replaced by T.
Protein change: p.Pro3340Leu; replaces proline 3340 with leucine.
Molecular consequence: missense variant.
Genome position (GRCh38, 1-based): chr7:92,096,978, C>T. VCF-style: chr7-92096978-C-T. GRCh37 (hg19) VCF-style: chr7-91726292-C-T.
Other names: c.4664C>T, p.Pro1555Leu (NM_001379277.1); c.9995C>T, p.Pro3332Leu (NM_147185.3); short protein forms P3332L, P1555L, P3340L.
Identifiers: ClinVar variation 1037494 (VCV001037494.9), dbSNP rs1011546142, ClinGen allele CA161896926.

ClinVar aggregate classification (germline): Uncertain significance. Review status: criteria provided, multiple submitters, no conflicts (2 of 4 stars). 2 submissions from 2 submitters: Uncertain significance (2). Last evaluated 2023-10-22.

Conditions:
Long QT syndrome (LQTS). Identifiers: MedGen C0023976, MeSH D008133, MONDO:0002442. Disease mechanism: loss of function. Inheritance: Various modes of inheritance.
Long QT syndrome 11 (LQT11). Identifiers: Orphanet 101016, Orphanet 768, MedGen C2678483, MONDO:0012738, OMIM 611820.

Allele frequency attached by ClinVar (database versions not stated): gnomAD exomes below 0.00001 and 0.00001; TOPMed 0.00001.
gnomAD v4.1: 5 of 1,614,118 alleles (0.00031%); highest among the groups gnomAD compares: Admixed American, 0.0017%; no homozygotes.

Submissions (2):

Labcorp Genetics (formerly Invitae), Labcorp
Classification: Uncertain significance for Long QT syndrome. Last evaluated: 2023-10-22. Review status: criteria provided, single submitter. Criteria: Invitae Variant Classification Sherloc (09022015). Collection method: clinical testing. Allele origin: germline.
Comment: This sequence change replaces proline, which is neutral and non-polar, with leucine, which is neutral and non-polar, at codon 3340 of the AKAP9 protein (p.Pro3340Leu). This variant is present in population databases (no rsID available, gnomAD 0.0009%). This variant has not been reported in the literature in individuals affected with AKAP9-related conditions. ClinVar contains an entry for this variant (Variation ID: 1037494). An algorithm developed to predict the effect of missense changes on protein structure and function (PolyPhen-2) suggests that this variant is likely to be disruptive. In summary, the available evidence is currently insufficient to determine the role of this variant in disease. Therefore, it has been classified as a Variant of Uncertain Significance.

Fulgent Genetics
Classification: Uncertain significance for Long QT syndrome 11. Last evaluated: 2021-08-03. Review status: criteria provided, single submitter. Criteria: ACMG Guidelines, 2015. Collection method: clinical testing. Allele origin: unknown.